The following is an entry in ClinVar:

NM_015404.4(WHRN):c.1325T>C (p.Met442Thr)

Gene: WHRN (whirlin; minus strand). Cytogenetic location: 9q32.
Variant type: single nucleotide variant.
Coding change: c.1325T>C on transcript NM_015404.4 (MANE Select); coding-DNA position 1325, T replaced by C.
Protein change: p.Met442Thr; replaces methionine 442 with threonine.
Molecular consequence: missense variant.
Genome position (GRCh38, 1-based): chr9:114,424,425, A>G on the plus strand (T>C on the coding strand, the complement: WHRN is on the minus strand). VCF-style: chr9-114424425-A-G. GRCh37 (hg19) VCF-style: chr9-117186705-A-G.
Other names: c.176T>C, p.Met59Thr (NM_001083885.3); c.1325T>C, p.Met442Thr (NM_001173425.2); c.272T>C, p.Met91Thr (NM_001346890.1); short protein forms M59T, M442T, M91T.
Identifiers: ClinVar variation 1967425 (VCV001967425.5), dbSNP rs1836618433, ClinGen allele CA374608704.
Genomic context (GRCh38, chr9:114,424,425, plus strand): 5'-GCCATGACGAGGGCCTCCACAGAGACGCTGCCACCACGGTACTCATCCAGGTAGTAGGCC[A>G]TGGTGGCGTGTTCCTGCTCGTTCAGCAGGTGCCGAGCCTGCTCCTCCAGCAGCACTCGTG-3'
Protein context (NP_056219.3, residues 432-452): HLLNEQEHAT[Met442Thr]AYYLDEYRGG

ClinVar aggregate classification (germline): Uncertain significance (1 of 4 stars; one submission).

Submission:

Labcorp Genetics (formerly Invitae), Labcorp
Classification: Uncertain significance. Last evaluated: 2025-11-05. Review status: criteria provided, single submitter. Criteria: Invitae Variant Classification Sherloc (09022015). Collection method: clinical testing. Allele origin: germline.
Comment: This sequence change replaces methionine, which is neutral and non-polar, with threonine, which is neutral and polar, at codon 442 of the WHRN protein (p.Met442Thr). This variant is not present in population databases (gnomAD no frequency). This variant has not been reported in the literature in individuals affected with WHRN-related conditions. ClinVar contains an entry for this variant (Variation ID: 1967425). An algorithm developed to predict the effect of missense changes on protein structure and function (PolyPhen-2) suggests that this variant is likely to be tolerated. In summary, the available evidence is currently insufficient to determine the role of this variant in disease. Therefore, it has been classified as a Variant of Uncertain Significance.